The following is an entry in ClinVar:

NM_000036.3(AMPD1):c.1685G>A (p.Arg562Gln)

Gene: AMPD1 (adenosine monophosphate deaminase 1; minus strand). Cytogenetic location: 1p13.2.
Variant type: single nucleotide variant.
Coding change: c.1685G>A on transcript NM_000036.3 (MANE Select); coding-DNA position 1685, G replaced by A.
Protein change: p.Arg562Gln; replaces arginine 562 with glutamine.
Molecular consequence: missense variant.
Genome position (GRCh38, 1-based): chr1:114,674,867, C>T on the plus strand (G>A on the coding strand, the complement: AMPD1 is on the minus strand). VCF-style: chr1-114674867-C-T. GRCh37 (hg19) VCF-style: chr1-115217488-C-T.
Other names: c.1784G>A (NM_000036.2); c.1673G>A, p.Arg558Gln (NM_001172626.2); short protein forms R562Q, R558Q.
Identifiers: ClinVar variation 2172904 (VCV002172904.5), dbSNP rs779833873, ClinGen allele CA1020041.
Genomic context (GRCh38, chr1:114,674,867, plus strand): 5'-AGATGGGTGAGGGCTCCAGCTTCTCCACAGTGAGGTCGGAACAGAAACGTATTCATGCCT[C>T]GTTCCCTGGGGAAATAGAACTGCTATTGGAATCGCAGGTTCTGGGTATGGAGTGATTCAC-3'
Protein context (NP_000027.3, residues 552-572): IMVLNSLRKE[Arg562Gln]GMNTFLFRPH

ClinVar aggregate classification (germline): Uncertain significance. Review status: criteria provided, multiple submitters, no conflicts (2 of 4 stars). 2 submissions from 2 submitters: Uncertain significance (2). Last evaluated 2025-08-07.

Conditions:
Inborn genetic diseases. Identifiers: MedGen C0950123, MeSH D030342.
Muscle AMP deaminase deficiency (MMDD). Also called: Myoadenylate deaminase deficiency, myopathy due to; Adenosine monophosphate deaminase 1 deficiency; AMP deaminase 1 deficiency; Adenosine Monophosphate Deaminase 1; ADENOSINE MONOPHOSPHATE DEAMINASE-1 DEFICIENCY, MYOPATHY DUE TO; AMPD1 DEFICIENCY. Identifiers: Orphanet 45, MedGen C3714933, MONDO:0014220, OMIM 615511.

Allele frequency attached by ClinVar (database versions not stated): ExAC 0.00002; gnomAD 0.00002; TOPMed 0.00002.
gnomAD v4.1: 57 of 1,613,974 alleles (0.0035%); highest among the groups gnomAD compares: Non-Finnish European, 0.0044%; no homozygotes.

Submissions (2):

Ambry Genetics
Classification: Uncertain significance for Inborn genetic diseases. Last evaluated: 2025-08-07. Review status: criteria provided, single submitter. Criteria: Ambry Variant Classification Scheme 2023. Collection method: clinical testing. Allele origin: germline.

Labcorp Genetics (formerly Invitae), Labcorp
Classification: Uncertain significance for Muscle AMP deaminase deficiency. Last evaluated: 2022-03-28. Review status: criteria provided, single submitter. Criteria: Invitae Variant Classification Sherloc (09022015). Collection method: clinical testing. Allele origin: germline.
Comment: This sequence change replaces arginine, which is basic and polar, with glutamine, which is neutral and polar, at codon 595 of the AMPD1 protein (p.Arg595Gln). In summary, the available evidence is currently insufficient to determine the role of this variant in disease. Therefore, it has been classified as a Variant of Uncertain Significance. Algorithms developed to predict the effect of missense changes on protein structure and function are either unavailable or do not agree on the potential impact of this missense change (SIFT: "Deleterious"; PolyPhen-2: "Benign"; Align-GVGD: "Class C35"). This variant has not been reported in the literature in individuals affected with AMPD1-related conditions. This variant is present in population databases (rs779833873, gnomAD 0.005%).